The following is an entry in ClinVar:

NM_025114.4(CEP290):c.1384G>A (p.Val462Ile)

Gene: CEP290 (centrosomal protein 290; minus strand). Cytogenetic location: 12q21.32.
Variant type: single nucleotide variant.
Coding change: c.1384G>A on transcript NM_025114.4 (MANE Select); coding-DNA position 1384, G replaced by A.
Protein change: p.Val462Ile; replaces valine 462 with isoleucine.
Molecular consequence: missense variant.
Genome position (GRCh38, 1-based): chr12:88,120,252, C>T on the plus strand (G>A on the coding strand, the complement: CEP290 is on the minus strand). VCF-style: chr12-88120252-C-T. GRCh37 (hg19) VCF-style: chr12-88514029-C-T.
Other names: c.1384G>A (NM_025114.3); short protein forms V462I.
Identifiers: ClinVar variation 194562 (VCV000194562.16), dbSNP rs374199052, ClinGen allele CA240603.

ClinVar aggregate classification (germline): Uncertain significance. Review status: criteria provided, multiple submitters, no conflicts (2 of 4 stars). 7 submissions from 7 submitters: Uncertain significance (7). Last evaluated 2026-03-02.

Conditions:
CEP290-related disorder. Also called: CEP290-related condition; CEP290-related disorders. Identifiers: MedGen CN239314.
Inborn genetic diseases. Identifiers: MedGen C0950123, MeSH D030342.
Joubert syndrome. Also called: Familial aplasia of the vermis; JOUBERT-BOLTSHAUSER SYNDROME. Identifiers: Orphanet 475, MedGen C5979921, MONDO:0018772.
Meckel-Gruber syndrome. Also called: GRUBER SYNDROME; Dysencephalia splachnocystica; DYSENCEPHALIA SPLANCHNOCYSTICA. Identifiers: Orphanet 564, MedGen C0265215, MONDO:0018921.
Nephronophthisis. Also called: Juvenile Nephronophthisis. Identifiers: Orphanet 655, MedGen C0687120, MONDO:0019005, HP:0000090.
Leber congenital amaurosis 10 (LCA10). Identifiers: Orphanet 65, MedGen C1857821, MONDO:0012723, OMIM 611755.
Meckel syndrome, type 4 (MKS4). Also called: MECKEL-GRUBER SYNDROME, TYPE 4. Identifiers: Orphanet 564, MedGen C1970161, MONDO:0012626, OMIM 611134.
Senior-Loken syndrome 6 (SLSN6). Identifiers: Orphanet 3156, MedGen C1857779, MONDO:0012433, OMIM 610189.
Bardet-Biedl syndrome 14 (BBS14). Identifiers: Orphanet 110, MedGen C2673874, MONDO:0014442, OMIM 615991.
Joubert syndrome 5 (JBTS5). Identifiers: Orphanet 2318, MedGen C1857780, MONDO:0012432, OMIM 610188.

Allele frequency attached by ClinVar (database versions not stated): ESP Exome Variant Server 0.00009; TOPMed 0.00012; gnomAD 0.00013; ExAC 0.00015; gnomAD exomes 0.00024 and 0.00007.
gnomAD v4.1: 328 of 1,462,966 alleles (0.022%); highest among the groups gnomAD compares: Non-Finnish European, 0.028%; no homozygotes.

Submissions (7):

PreventionGenetics, part of Exact Sciences
Classification: Uncertain significance for CEP290-related condition. Last evaluated: 2026-03-02. Review status: criteria provided, single submitter. Criteria: ACMG Guidelines, 2015. Collection method: clinical testing. Allele origin: germline.
Comment: The CEP290 c.1384G>A variant is predicted to result in the amino acid substitution p.Val462Ile. This variant has been reported along with a second CEP290 variant in an individual with retinitis pigmentosa (Table S3 in Wang et al. 2014. PubMed ID: 25097241). This variant is reported in 0.021% of alleles in individuals of European (non-Finnish) descent in gnomAD. At this time, the clinical significance of this variant is uncertain due to the absence of conclusive functional and genetic evidence.

GeneDx
Classification: Uncertain significance. Last evaluated: 2025-05-05. Review status: criteria provided, single submitter. Criteria: GeneDx Variant Classification Process June 2021. Collection method: clinical testing. Allele origin: germline. Affected: yes.
Comment: In silico analysis suggests that this missense variant does not alter protein structure/function; Has not been previously published as pathogenic or benign to our knowledge

Blueprint Genetics
Classification: Uncertain significance. Last evaluated: 2024-11-11. Review status: criteria provided, single submitter. Criteria: ACMG Guidelines, 2015. Collection method: clinical testing. Allele origin: germline.

Fulgent Genetics
Classification: Uncertain significance for Joubert syndrome 5; Senior-Loken syndrome 6; Meckel syndrome, type 4; Leber congenital amaurosis 10; Bardet-Biedl syndrome 14. Last evaluated: 2024-03-08. Review status: criteria provided, single submitter. Criteria: ACMG Guidelines, 2015. Collection method: clinical testing. Allele origin: germline.

Labcorp Genetics (formerly Invitae), Labcorp
Classification: Uncertain significance for Joubert syndrome; Meckel-Gruber syndrome; Nephronophthisis. Last evaluated: 2022-10-13. Review status: criteria provided, single submitter. Criteria: Invitae Variant Classification Sherloc (09022015). Collection method: clinical testing. Allele origin: germline.
Comment: This sequence change replaces valine, which is neutral and non-polar, with isoleucine, which is neutral and non-polar, at codon 462 of the CEP290 protein (p.Val462Ile). This variant is present in population databases (rs374199052, gnomAD 0.02%). This variant has not been reported in the literature in individuals affected with CEP290-related conditions. ClinVar contains an entry for this variant (Variation ID: 194562). Advanced modeling of protein sequence and biophysical properties (such as structural, functional, and spatial information, amino acid conservation, physicochemical variation, residue mobility, and thermodynamic stability) performed at Invitae indicates that this missense variant is not expected to disrupt CEP290 protein function. In summary, the available evidence is currently insufficient to determine the role of this variant in disease. Therefore, it has been classified as a Variant of Uncertain Significance.

Ambry Genetics
Classification: Uncertain significance for Inborn genetic diseases. Last evaluated: 2020-12-01. Review status: criteria provided, single submitter. Criteria: Ambry Variant Classification Scheme 2023. Collection method: clinical testing. Allele origin: germline.

Eurofins Ntd Llc (ga)
Classification: Uncertain significance. Last evaluated: 2014-06-24. Review status: criteria provided, single submitter. Criteria: EGL Classification Definitions 2015. Collection method: clinical testing. Allele origin: germline. Observed: 1 variant allele, 1 heterozygote.